The following is an entry in ClinVar:

NM_005862.3(STAG1):c.1857G>C (p.Gln619His)

Gene: STAG1 (STAG1 cohesin complex component; minus strand). Cytogenetic location: 3q22.3.
Variant type: single nucleotide variant.
Coding change: c.1857G>C on transcript NM_005862.3 (MANE Select); coding-DNA position 1857, G replaced by C.
Protein change: p.Gln619His; replaces glutamine 619 with histidine.
Molecular consequence: missense variant.
Genome position (GRCh38, 1-based): chr3:136,422,590, C>G on the plus strand (G>C on the coding strand, the complement: STAG1 is on the minus strand). VCF-style: chr3-136422590-C-G. GRCh37 (hg19) VCF-style: chr3-136141432-C-G.
Other names: short protein forms Q619H.
Identifiers: ClinVar variation 1699065 (VCV001699065.3), dbSNP rs2107730009, ClinGen allele CA354644294.

ClinVar aggregate classification (germline): Likely benign (1 of 4 stars; one submission).

Conditions:
Intellectual developmental disorder, autosomal dominant 47. Also called: Intellectual disability, autosomal dominant 47; MENTAL RETARDATION, AUTOSOMAL DOMINANT 47. Identifiers: Orphanet 502434, MedGen C4539951, MONDO:0030912, OMIM 617635.

gnomAD v4.1: 1 of 1,613,868 alleles (0.000062%); highest among the groups gnomAD compares: Non-Finnish European, 0.000085%; no homozygotes.

Submission:

Victorian Clinical Genetics Services, Murdoch Childrens Research Institute
Classification: Likely benign for Intellectual developmental disorder, autosomal dominant 47. Last evaluated: 2022-02-02. Review status: criteria provided, single submitter. Criteria: ACMG Guidelines, 2015. Collection method: clinical testing. Allele origin: germline. Inheritance: Autosomal dominant inheritance. Affected: yes.
Comment: Based on the classification scheme VCGS_Germline_v1.3.4, this variant is classified as Likely benign. Following criteria are met: 0102 - Loss of function is a known mechanism of disease in this gene and is associated with STAG1-related intellectual disability (MIM#604358). (I) 0107 - This gene is associated with autosomal dominant disease. (I) 0200 - Variant is predicted to result in a missense amino acid change from glutamine to histidine. (I) 0251 - This variant is heterozygous. (I) 0301 - Variant is absent from gnomAD (both v2 and v3). (SP) 0502 - Missense variant with conflicting in silico predictions and uninformative conservation. (I) 0604 - Variant is not located in an established domain, motif, hotspot or informative constraint region. (I) 0705 - No comparable missense variants have previous evidence for pathogenicity. (I) 0807 - This variant has no previous evidence of pathogenicity. (I) 0904 - Non-segregation of this variant with the phenotype under investigation has been clearly demonstrated. (SB) 1007 - No published functional evidence has been identified for this variant. (I) Legend: (SP) - Supporting pathogenic, (I) - Information, (SB) - Supporting benign